The following is an entry in ClinVar:

NM_022168.4(IFIH1):c.487G>A (p.Gly163Ser)

Gene: IFIH1 (interferon induced with helicase C domain 1; minus strand). Cytogenetic location: 2q24.2.
Variant type: single nucleotide variant.
Coding change: c.487G>A on transcript NM_022168.4 (MANE Select); coding-DNA position 487, G replaced by A.
Protein change: p.Gly163Ser; replaces glycine 163 with serine.
Molecular consequence: missense variant.
Genome position (GRCh38, 1-based): chr2:162,310,900, C>T on the plus strand (G>A on the coding strand, the complement: IFIH1 is on the minus strand). VCF-style: chr2-162310900-C-T. GRCh37 (hg19) VCF-style: chr2-163167410-C-T.
Other names: short protein forms G163S.
Identifiers: ClinVar variation 937254 (VCV000937254.9), dbSNP rs1007619458, ClinGen allele CA59688656.

ClinVar aggregate classification (germline): Uncertain significance (1 of 4 stars; one submission).

Conditions:
Aicardi-Goutieres syndrome 7 (AGS7). Identifiers: Orphanet 51, MedGen C3888244, MONDO:0014367, OMIM 615846.
Singleton-Merten syndrome 1 (SGMRT1). Also called: Widened medullary cavities of bone, aortic calcification, abnormal dentition, and muscular weakness; Syndrome of widened medullary cavities of the metacarpals and phalanges, aortic calcification and abnormal dentition. Identifiers: Orphanet 85191, MedGen C4225427, MONDO:0024535, OMIM 182250.

Allele frequency attached by ClinVar (database versions not stated): gnomAD exomes below 0.00001.
gnomAD v4.1: 3 of 1,613,452 alleles (0.00019%); highest among the groups gnomAD compares: Non-Finnish European, 0.00025%; no homozygotes.

Submission:

Labcorp Genetics (formerly Invitae), Labcorp
Classification: Uncertain significance for Aicardi-Goutieres syndrome 7; Singleton-Merten syndrome 1. Last evaluated: 2025-10-06. Review status: criteria provided, single submitter. Criteria: Invitae Variant Classification Sherloc (09022015). Collection method: clinical testing. Allele origin: germline.
Comment: This sequence change replaces glycine, which is neutral and non-polar, with serine, which is neutral and polar, at codon 163 of the IFIH1 protein (p.Gly163Ser). This variant is present in population databases (no rsID available, gnomAD 0.0009%). This variant has not been reported in the literature in individuals affected with IFIH1-related conditions. ClinVar contains an entry for this variant (Variation ID: 937254). Invitae Evidence Modeling of protein sequence and biophysical properties (such as structural, functional, and spatial information, amino acid conservation, physicochemical variation, residue mobility, and thermodynamic stability) has been performed for this missense variant. However, the output from this modeling did not meet the statistical confidence thresholds required to predict the impact of this variant on IFIH1 protein function. In summary, the available evidence is currently insufficient to determine the role of this variant in disease. Therefore, it has been classified as a Variant of Uncertain Significance.